The following is an entry in ClinVar:

NM_000337.6(SGCD):c.191T>C (p.Ile64Thr)

Gene: SGCD (sarcoglycan delta; plus strand). Cytogenetic location: 5q33.3.
Variant type: single nucleotide variant.
Coding change: c.191T>C on transcript NM_000337.6 (MANE Select); coding-DNA position 191, T replaced by C.
Protein change: p.Ile64Thr; replaces isoleucine 64 with threonine.
Molecular consequence: missense variant.
Genome position (GRCh38, 1-based): chr5:156,344,676, T>C. VCF-style: chr5-156344676-T-C. GRCh37 (hg19) VCF-style: chr5-155771686-T-C.
Other names: p.I64T:ATT>ACT; NM_000337.6(SGCD):c.191T>C; p.Ile64Thr; c.188T>C, p.Ile63Thr (NM_001128209.2); c.191T>C, p.Ile64Thr (NM_172244.3); short protein forms I64T, I63T.
Identifiers: ClinVar variation 202088 (VCV000202088.28), dbSNP rs376780156, ClinGen allele CA308788.
Genomic context (GRCh38, chr5:156,344,676, plus strand): 5'-TTTTAATACTGGTGAACTTGGCCATGACCATCTGGATTCTCAAAGTCATGAACTTCACAA[T>C]TGTAAGTAAAACCATCTAGGTTTGTTTAGCTTTCTTCCGGGAGGGGAAGCGTGGGGCAAG-3'
Protein context (NP_000328.2, residues 54-74): IWILKVMNFT[Ile64Thr]DGMGNLRITE

ClinVar aggregate classification (germline): Uncertain significance. Review status: reviewed by expert panel (3 of 4 stars). 12 submissions from 11 submitters: Uncertain significance (1). 11 of the submissions do not count toward it. Last evaluated 2025-01-08.

Conditions:
Inborn genetic diseases. Identifiers: MedGen C0950123, MeSH D030342.
Dilated cardiomyopathy 1L (CMD1L). Identifiers: Orphanet 154, MedGen C1847667, MONDO:0011702, OMIM 606685.
Autosomal recessive limb-girdle muscular dystrophy type 2F (LGMDR6). Also called: MUSCULAR DYSTROPHY, LIMB-GIRDLE, AUTOSOMAL RECESSIVE 6; Muscular dystrophy limb-girdle with delta-sarcoglyan deficiency. Identifiers: Orphanet 219, MedGen C1832525, MONDO:0011028, OMIM 601287. Disease mechanism: Affects gamma-sarcoglycan and also disrupts the integrity of the entire sarcoglycan complex..
Autosomal recessive limb-girdle muscular dystrophy. Identifiers: Orphanet 102015, MedGen C2931907, MONDO:0015152.

Allele frequency attached by ClinVar (database versions not stated): gnomAD exomes 0.00005 and 0.00008; ExAC 0.00007; gnomAD 0.00010 and 0.00011; TOPMed 0.00010; ESP Exome Variant Server 0.00016.
gnomAD v4.1: 90 of 1,598,466 alleles (0.0056%); highest among the groups gnomAD compares: Admixed American, 0.01%; no homozygotes.

Submissions (12):

ClinGen Limb Girdle Muscular Dystrophy Variant Curation Expert Panel, ClinGen
Classification: Uncertain significance for Autosomal recessive limb-girdle muscular dystrophy. Last evaluated: 2025-01-08. Review status: reviewed by expert panel. Criteria: ClinGen LGMD VCEP ACMG Specifications SGCD V1.0.0. Collection method: curation. Allele origin: germline. Inheritance: Autosomal recessive inheritance.
Comment: The NM_000337.6: c.191T>C variant in SGCD is a missense variant predicted to cause substitution of isoleucine by threonine at amino acid 64 (p.Ile64Thr). The highest minor allele frequency of this variant is 0.0001293 in the Admixed American population of gnomAD v2.1.1 (4/30926 exome chromosomes), which is greater than the LGMD VCEP threshold (0.00009) for PM2_Supporting (criterion not met). The computational predictor REVEL gives a score of 0.63 (PP3, BP4 not met). In summary, there is currently insufficient evidence to determine whether this variant is pathogenic or benign and it is classified as a variant of uncertain significance for autosomal recessive limb girdle muscular dystrophy based on the ACMG/AMP criteria applied, as specified by the ClinGen LGMD VCEP(LGMD VCEP specifications version 1.0.0; 01/08/2025): no codes applied.

GeneDx
Classification: Uncertain significance. Last evaluated: 2025-09-25. Review status: criteria provided, single submitter. Criteria: GeneDx Variant Classification Process June 2021. Collection method: clinical testing. Allele origin: germline. Affected: yes. Not counted in ClinVar's aggregate classification.
Comment: In silico analysis suggests that this missense variant does not alter protein structure/function; Has not been previously published as pathogenic or benign to our knowledge

Ambry Genetics
Classification: Uncertain significance for Inborn genetic diseases. Last evaluated: 2025-08-20. Review status: criteria provided, single submitter. Criteria: Ambry Variant Classification Scheme 2023. Collection method: clinical testing. Allele origin: germline. Not counted in ClinVar's aggregate classification.
Comment: The p.I64T variant (also known as c.191T>C), located in coding exon 2 of the SGCD gene, results from a T to C substitution at nucleotide position 191. The isoleucine at codon 64 is replaced by threonine, an amino acid with similar properties. This amino acid position is conserved. In addition, the in silico prediction for this alteration is inconclusive. Since supporting evidence is limited at this time, the clinical significance of this alteration remains unclear.

Women's Health and Genetics/Laboratory Corporation of America, LabCorp
Classification: Uncertain significance. Last evaluated: 2025-04-01. Review status: criteria provided, single submitter. Criteria: LabCorp Variant Classification Summary - May 2015. Collection method: clinical testing. Allele origin: germline. Not counted in ClinVar's aggregate classification.
Comment: Variant summary: SGCD c.191T>C (p.Ile64Thr) results in a non-conservative amino acid change in the encoded protein sequence. Four of five in-silico tools predict a damaging effect of the variant on protein function. At least one computational tool (TraP) predicts no significant impact on normal splicing. However, these predictions have yet to be confirmed by functional studies. The variant allele was found at a frequency of 7.7e-05 in 234638 control chromosomes. This frequency is not significantly higher than estimated for a pathogenic variant in SGCD causing autosomal recessive limb-girdle muscular dystrophy type 2F (7.7e-05 vs 0.0035), allowing no conclusion about variant significance. To our knowledge, no occurrence of c.191T>C in individuals affected with autosomal recessive limb-girdle muscular dystrophy type 2F and no experimental evidence demonstrating its impact on protein function have been reported. ClinVar contains an entry for this variant (Variation ID: 202088). Based on the evidence outlined above, the variant was classified as uncertain significance.

ARUP Laboratories, Molecular Genetics and Genomics, ARUP Laboratories
Classification: Uncertain significance. Last evaluated: 2024-10-08. Review status: criteria provided, single submitter. Criteria: ARUP Molecular Germline Variant Investigation Process 2024. Collection method: clinical testing. Allele origin: germline. Not counted in ClinVar's aggregate classification.
Comment: The SGCD c.191T>C; p.Ile64Thr variant (rs376780156), to our knowledge, is not reported in the medical literature but is reported in ClinVar (Variation ID: 202088). This variant is found in the general population with an overall allele frequency of 0.007% (19/266,042 alleles) in the Genome Aggregation Database (v2.1.1). Computational analyses are uncertain whether this variant is neutral or deleterious (REVEL: 0.63). However, given the lack of clinical and functional data, the significance of this variant is uncertain at this time.

Revvity Omics, Revvity
Classification: Uncertain significance. Last evaluated: 2024-07-03. Review status: criteria provided, single submitter. Criteria: ACMG Guidelines, 2015. Collection method: clinical testing. Allele origin: germline. Not counted in ClinVar's aggregate classification.

Genome-Nilou Lab
Classification: Uncertain significance for Autosomal recessive limb-girdle muscular dystrophy type 2F. Last evaluated: 2023-02-08. Review status: criteria provided, single submitter. Criteria: ACMG Guidelines, 2015. Collection method: clinical testing. Allele origin: germline. Not counted in ClinVar's aggregate classification.

Genome-Nilou Lab
Classification: Uncertain significance for Dilated cardiomyopathy 1L. Last evaluated: 2023-02-08. Review status: criteria provided, single submitter. Criteria: ACMG Guidelines, 2015. Collection method: clinical testing. Allele origin: germline. Not counted in ClinVar's aggregate classification.

Labcorp Genetics (formerly Invitae), Labcorp
Classification: Uncertain significance for Autosomal recessive limb-girdle muscular dystrophy type 2F. Last evaluated: 2022-08-08. Review status: criteria provided, single submitter. Criteria: Invitae Variant Classification Sherloc (09022015). Collection method: clinical testing. Allele origin: germline. Not counted in ClinVar's aggregate classification.
Comment: This sequence change replaces isoleucine, which is neutral and non-polar, with threonine, which is neutral and polar, at codon 64 of the SGCD protein (p.Ile64Thr). This variant is present in population databases (rs376780156, gnomAD 0.03%). This variant has not been reported in the literature in individuals affected with SGCD-related conditions. ClinVar contains an entry for this variant (Variation ID: 202088). Algorithms developed to predict the effect of missense changes on protein structure and function are either unavailable or do not agree on the potential impact of this missense change (SIFT: "Tolerated"; PolyPhen-2: "Possibly Damaging"; Align-GVGD: "Class C0"). In summary, the available evidence is currently insufficient to determine the role of this variant in disease. Therefore, it has been classified as a Variant of Uncertain Significance.

Fulgent Genetics
Classification: Uncertain significance for Autosomal recessive limb-girdle muscular dystrophy type 2F; Dilated cardiomyopathy 1L. Last evaluated: 2021-10-08. Review status: criteria provided, single submitter. Criteria: ACMG Guidelines, 2015. Collection method: clinical testing. Allele origin: unknown. Not counted in ClinVar's aggregate classification.

Clinical Genomics Laboratory, Stanford Medicine
Classification: Uncertain significance for Autosomal recessive limb-girdle muscular dystrophy type 2F. Last evaluated: 2021-08-14. Review status: criteria provided, single submitter. Criteria: ACMG Guidelines, 2015. Collection method: clinical testing. Allele origin: germline. Observed: 1 variant allele, 1 heterozygote. Not counted in ClinVar's aggregate classification.
Comment: The p.Ile64Thr variant in the SGCD gene has not been previously reported in association with disease. This variant has been identified in 19/266,042 chromosomes by the Genome Aggregation Database. Although this variant has been seen in the general population, its frequency is low enough to be consistent with a recessive carrier frequency. The isoleucine at position 64 is evolutionarily conserved. Computational tools predict that the p.Ile64Thr variant is deleterious; however, the accuracy of in silico algorithms is limited. These data were assessed using the ACMG/AMP variant interpretation guidelines. In summary, the significance of the p.Ile64Thr variant is uncertain. Additional information is needed to resolve the significance of this variant. [ACMG evidence codes used: PM2; PP3]

Eurofins Ntd Llc (ga)
Classification: Uncertain significance. Last evaluated: 2016-12-19. Review status: criteria provided, single submitter. Criteria: EGL Classification Definitions 2015. Collection method: clinical testing. Allele origin: germline. Observed: 1 variant allele, 1 heterozygote. Not counted in ClinVar's aggregate classification.